The following is an entry in ClinVar:

NM_001130987.2(DYSF):c.1033+230G>T

Gene: DYSF (dysferlin; plus strand). Cytogenetic location: 2p13.2.
Variant type: single nucleotide variant.
Coding change: c.1033+230G>T on transcript NM_001130987.2 (MANE Select); 230 bases into the intron after coding-DNA position 1033, G replaced by T.
Molecular consequence: intron variant.
Genome position (GRCh38, 1-based): chr2:71,520,438, G>T. VCF-style: chr2-71520438-G-T. GRCh37 (hg19) VCF-style: chr2-71747568-G-T.
Other names: c.1030+230G>T (NM_001130979.2, NM_001130981.2, NM_001130980.2); c.937+230G>T (NM_001130978.2, NM_003494.4, NM_001130977.2 and 1 more transcripts); c.1033+230G>T (NM_001130982.2, NM_001130985.2); c.940+230G>T (NM_001130983.2, NM_001130455.2, NM_001130984.2 and 1 more transcripts).
Identifiers: ClinVar variation 679412 (VCV000679412.1), dbSNP rs12997658, ClinGen allele CA11017522.

ClinVar aggregate classification (germline): Benign (1 of 4 stars; one submission).

Allele frequency attached by ClinVar (database versions not stated): 1000 Genomes Project 0.56370; 1000 Genomes Project 30x 0.57230; gnomAD 0.67165 and 0.68495; TOPMed 0.67799.
gnomAD v4.1: 102,072 of 151,992 alleles (67%); highest among the groups gnomAD compares: African/African-American, 76%; 35,183 homozygotes.

Submission:

GeneDx
Classification: Benign. Last evaluated: 2018-06-14. Review status: criteria provided, single submitter. Criteria: GeneDx Variant Classification (06012015). Collection method: clinical testing. Allele origin: germline. Affected: yes.
Comment: This variant is considered likely benign or benign based on one or more of the following criteria: it is a conservative change, it occurs at a poorly conserved position in the protein, it is predicted to be benign by multiple in silico algorithms, and/or has population frequency not consistent with disease.